The following is an entry in ClinVar:

NM_001267550.2(TTN):c.36280+1G>T

Gene: TTN (titin; minus strand). Cytogenetic location: 2q31.2.
Variant type: single nucleotide variant.
Coding change: c.36280+1G>T on transcript NM_001267550.2 (MANE Select); the canonical splice donor site of the intron after coding-DNA position 36280, G replaced by T.
Molecular consequence: splice donor variant. On other transcripts: intron variant (5).
Genome position (GRCh38, 1-based): chr2:178,664,459, C>A on the plus strand (G>T on the coding strand, the complement: TTN is on the minus strand). VCF-style: chr2-178664459-C-A. GRCh37 (hg19) VCF-style: chr2-179529186-C-A.
Other names: c.13283-22142G>T (NM_003319.4); c.13859-22142G>T (NM_133437.4); c.13658-22142G>T (NM_133432.3); c.31484-1404G>T (NM_133378.4); c.34265-1404G>T (NM_001256850.1).
Identifiers: ClinVar variation 1995370 (VCV001995370.4), dbSNP rs768200802, ClinGen allele CA1997588.

ClinVar aggregate classification (germline): Likely pathogenic (1 of 4 stars; one submission).

Conditions:
Dilated cardiomyopathy 1G (CMD1G). Identifiers: Orphanet 154, MedGen C1858763, MONDO:0011400, OMIM 604145.
Autosomal recessive limb-girdle muscular dystrophy type 2J (LGMDR10). Also called: Limb-girdle muscular dystrophy, type 2J; MUSCULAR DYSTROPHY, LIMB-GIRDLE, AUTOSOMAL RECESSIVE 10. Identifiers: Orphanet 140922, MedGen C1837342, MONDO:0012127, OMIM 608807.

Allele frequency attached by ClinVar (database versions not stated): ExAC 0.00001.
gnomAD v4.1: 2 of 1,609,052 alleles (0.00012%); highest among the groups gnomAD compares: Non-Finnish European, 0.000085%; no homozygotes.

Submission:

Labcorp Genetics (formerly Invitae), Labcorp
Classification: Likely pathogenic for Dilated cardiomyopathy 1G; Autosomal recessive limb-girdle muscular dystrophy type 2J. Last evaluated: 2024-04-08. Review status: criteria provided, single submitter. Criteria: Invitae Variant Classification Sherloc (09022015). Collection method: clinical testing. Allele origin: germline.
Comment: This sequence change affects a donor splice site in intron 168 of the TTN gene. It is expected to disrupt RNA splicing and likely results in a truncated or disrupted TTN protein. The frequency data for this variant in the population databases is considered unreliable, as metrics indicate poor data quality at this position in the gnomAD database. This variant has not been reported in the literature in individuals affected with TTN-related conditions. ClinVar contains an entry for this variant (Variation ID: 1995370). Algorithms developed to predict the effect of sequence changes on RNA splicing suggest that this variant may disrupt the consensus splice site. This variant is located in the I band of TTN (PMID: 25589632). Truncating variants in this region have been reported in individuals affected with autosomal recessive centronuclear myopathy (PMID: 23975875, Invitae internal data). Truncating variants in this region have also been identified in individuals affected with autosomal dominant dilated cardiomyopathy and/or cardio-related conditions (PMID: 27869827, 32964742, Invitae internal data). In summary, the currently available evidence indicates that the variant is pathogenic, but additional data are needed to prove that conclusively. Therefore, this variant has been classified as Likely Pathogenic.

Literature cited by the submitters: PubMed 25589632; PubMed 23975875; PubMed 27869827; PubMed 32964742.